The following is an entry in ClinVar:

NM_001242896.3(DEPDC5):c.3485+1G>A

Gene: DEPDC5 (DEP domain containing 5, GATOR1 subcomplex subunit; plus strand). Cytogenetic location: 22q12.3.
Variant type: single nucleotide variant.
Coding change: c.3485+1G>A on transcript NM_001242896.3 (MANE Select); the canonical splice donor site of the intron after coding-DNA position 3485, G replaced by A.
Molecular consequence: splice donor variant.
Genome position (GRCh38, 1-based): chr22:31,870,745, G>A. VCF-style: chr22-31870745-G-A. GRCh37 (hg19) VCF-style: chr22-32266731-G-A.
Other names: c.3485+1G>A (NM_001364318.2); c.3458+1G>A (NM_001136029.4); c.3392+1G>A (NM_014662.6, NM_001369903.1); c.3419+1G>A (NM_001363852.2, NM_001364320.2); c.3251+1G>A (NM_001363854.2, NM_001364319.2); c.3185+1G>A (NM_001242897.2); c.3401+1G>A (NM_001369902.1, NM_001369901.1).
Identifiers: ClinVar variation 2762773 (VCV002762773.3), dbSNP rs2149231722, ClinGen allele CA411297030.

ClinVar aggregate classification (germline): Likely pathogenic (1 of 4 stars; one submission).

Conditions:
Familial focal epilepsy with variable foci (FPEVF). Identifiers: Orphanet 98820, MedGen C1858477, MONDO:0020310.

Submission:

Labcorp Genetics (formerly Invitae), Labcorp
Classification: Likely pathogenic for Familial focal epilepsy with variable foci. Last evaluated: 2025-04-22. Review status: criteria provided, single submitter. Criteria: Invitae Variant Classification Sherloc (09022015). Collection method: clinical testing. Allele origin: germline.
Comment: This sequence change affects a donor splice site in intron 34 of the DEPDC5 gene. It is expected to disrupt RNA splicing. Variants that disrupt the donor or acceptor splice site typically lead to a loss of protein function (PMID: 16199547), and loss-of-function variants in DEPDC5 are known to be pathogenic (PMID: 23542697, 23542701). This variant is not present in population databases (gnomAD no frequency). This variant has not been reported in the literature in individuals affected with DEPDC5-related conditions. ClinVar contains an entry for this variant (Variation ID: 2762773). Algorithms developed to predict the effect of sequence changes on RNA splicing suggest that this variant may disrupt the consensus splice site. In summary, the currently available evidence indicates that the variant is pathogenic, but additional data are needed to prove that conclusively. Therefore, this variant has been classified as Likely Pathogenic.

Literature cited by the submitters: PubMed 16199547; PubMed 23542697; PubMed 23542701.